The following is an entry in ClinVar:

ClinVar aggregate classification (germline): Uncertain significance. Review status: criteria provided, multiple submitters, no conflicts (2 of 4 stars). 2 submissions from 2 submitters: Uncertain significance (2). Last evaluated 2024-12-10.

gnomAD v4.1: 6 of 1,613,416 alleles (0.00037%); highest among the groups gnomAD compares: South Asian, 0.0011%; no homozygotes.

Submissions (2):

GeneDx
Classification: Uncertain significance. Last evaluated: 2024-12-10. Review status: criteria provided, single submitter. Criteria: GeneDx Variant Classification Process June 2021. Collection method: clinical testing. Allele origin: germline. Affected: yes.
Comment: Not observed at significant frequency in large population cohorts (gnomAD); In silico analysis supports that this missense variant has a deleterious effect on protein structure/function; Has not been previously published as pathogenic or benign to our knowledge

Labcorp Genetics (formerly Invitae), Labcorp
Classification: Uncertain significance. Last evaluated: 2022-07-06. Review status: criteria provided, single submitter. Criteria: Invitae Variant Classification Sherloc (09022015). Collection method: clinical testing. Allele origin: germline.
Comment: This sequence change replaces serine, which is neutral and polar, with isoleucine, which is neutral and non-polar, at codon 2670 of the CDH23 protein (p.Ser2670Ile). This variant is not present in population databases (gnomAD no frequency). This variant has not been reported in the literature in individuals affected with CDH23-related conditions. Algorithms developed to predict the effect of missense changes on protein structure and function are either unavailable or do not agree on the potential impact of this missense change (SIFT: "Deleterious"; PolyPhen-2: "Not Available"; Align-GVGD: "Class C0"). In summary, the available evidence is currently insufficient to determine the role of this variant in disease. Therefore, it has been classified as a Variant of Uncertain Significance.

NM_022124.6(CDH23):c.8009G>T (p.Ser2670Ile)

Genes: CDH23 (cadherin related 23; plus strand), LOC111982869 (Sharpr-MPRA regulatory region 2121; plus strand). Cytogenetic location: 10q22.1.
Variant type: single nucleotide variant.
Coding change: c.8009G>T on transcript NM_022124.6 (MANE Select); coding-DNA position 8009, G replaced by T.
Protein change: p.Ser2670Ile; replaces serine 2670 with isoleucine.
Molecular consequence: missense variant.
Genome position (GRCh38, 1-based): chr10:71,805,942, G>T. VCF-style: chr10-71805942-G-T. GRCh37 (hg19) VCF-style: chr10-73565699-G-T.
Other names: c.1289G>T, p.Ser430Ile (NM_001171933.1, NM_001171934.1); c.8009G>T (NM_022124.5); short protein forms S430I, S2670I.
Identifiers: ClinVar variation 1931228 (VCV001931228.3), dbSNP rs749342092, ClinGen allele CA377162151.
Genomic context (GRCh38, chr10:71,805,942, plus strand): 5'-ACAGCTTCCTGAAGACTGCGGGCAACCGGGACTGGGAGTTCTTCATCATCGACCCAATCA[G>T]CGGCCTCATCCAGACTGCTCAGCGCCTGGACCGCGAGTCGCAGGCGGTGTACAGCGTAAG-3'
Protein context (NP_071407.4, residues 2660-2680): DWEFFIIDPI[Ser2670Ile]GLIQTAQRLD